The following is an entry in ClinVar:

ClinVar aggregate classification (germline): Uncertain significance. Review status: criteria provided, multiple submitters, no conflicts (2 of 4 stars). 2 submissions from 2 submitters: Uncertain significance (2). Last evaluated 2026-03-05.

Conditions:
Early-infantile DEE. Also called: Early infantile epileptic encephalopathy with suppression bursts; Early infantile epileptic encephalopathy; Ohtahara syndrome. Identifiers: Orphanet 1934, MedGen C0393706, MONDO:0800491.

gnomAD v4.1: 2 of 1,613,736 alleles (0.00012%); highest among the groups gnomAD compares: Non-Finnish European, 0.00017%; no homozygotes.

Submissions (2):

GeneDx
Classification: Uncertain significance. Last evaluated: 2026-03-05. Review status: criteria provided, single submitter. Criteria: GeneDx Variant Classification Process June 2021. Collection method: clinical testing. Allele origin: germline.
Comment: Not observed at significant frequency in large population cohorts (gnomAD); In silico analysis supports that this missense variant has a deleterious effect on protein structure/function; Has not been previously published as pathogenic or benign to our knowledge; This substitution is predicted to be within the transmembrane segment S2

Labcorp Genetics (formerly Invitae), Labcorp
Classification: Uncertain significance for Early-infantile DEE. Last evaluated: 2025-12-24. Review status: criteria provided, single submitter. Criteria: Invitae Variant Classification Sherloc (09022015). Collection method: clinical testing. Allele origin: germline.
Comment: This sequence change replaces valine, which is neutral and non-polar, with leucine, which is neutral and non-polar, at codon 135 of the KCNQ2 protein (p.Val135Leu). This variant is not present in population databases (gnomAD no frequency). This variant has not been reported in the literature in individuals affected with KCNQ2-related conditions. ClinVar contains an entry for this variant (Variation ID: 937749). Invitae Evidence Modeling of protein sequence and biophysical properties (such as structural, functional, and spatial information, amino acid conservation, physicochemical variation, residue mobility, and thermodynamic stability) indicates that this missense variant is expected to disrupt KCNQ2 protein function with a positive predictive value of 95%. In summary, the available evidence is currently insufficient to determine the role of this variant in disease. Therefore, it has been classified as a Variant of Uncertain Significance.

NM_172107.4(KCNQ2):c.403G>T (p.Val135Leu)

Gene: KCNQ2 (potassium voltage-gated channel subfamily Q member 2; minus strand). Cytogenetic location: 20q13.33.
Variant type: single nucleotide variant.
Coding change: c.403G>T on transcript NM_172107.4 (MANE Select); coding-DNA position 403, G replaced by T.
Protein change: p.Val135Leu; replaces valine 135 with leucine.
Molecular consequence: missense variant.
Genome position (GRCh38, 1-based): chr20:63,445,349, C>A on the plus strand (G>T on the coding strand, the complement: KCNQ2 is on the minus strand). VCF-style: chr20-63445349-C-A. GRCh37 (hg19) VCF-style: chr20-62076702-C-A.
Other names: c.403G>T, p.Val135Leu (NM_001382235.1, NM_004518.6, NM_172106.3 and 2 more transcripts); short protein forms V135L.
Identifiers: ClinVar variation 937749 (VCV000937749.10), dbSNP rs775649577, ClinGen allele CA409655578.